The following is an entry in ClinVar:

NM_007194.4(CHEK2):c.1028T>A (p.Ile343Asn)

Gene: CHEK2 (checkpoint kinase 2; minus strand). Cytogenetic location: 22q12.1.
Variant type: single nucleotide variant.
Coding change: c.1028T>A on transcript NM_007194.4 (MANE Select); coding-DNA position 1028, T replaced by A.
Protein change: p.Ile343Asn; replaces isoleucine 343 with asparagine.
Molecular consequence: missense variant. On other transcripts: intron variant (3).
Genome position (GRCh38, 1-based): chr22:28,696,968, A>T on the plus strand (T>A on the coding strand, the complement: CHEK2 is on the minus strand). VCF-style: chr22-28696968-A-T. GRCh37 (hg19) VCF-style: chr22-29092956-A-T.
Other names: c.1157T>A, p.Ile386Asn (NM_001005735.3); c.365T>A, p.Ile122Asn (NM_001257387.3, NM_001437942.1); c.827T>A, p.Ile276Asn (NM_001349956.3); c.1121T>A, p.Ile374Asn (NM_001438293.1); c.1009-1095T>A (NM_145862.3); c.1102-1095T>A (NM_001438295.1); c.1138-1095T>A (NM_001438294.1); short protein forms I122N, I276N, I343N, I386N, I374N.
Identifiers: ClinVar variation 3346144 (VCV003346144.1).

ClinVar aggregate classification (germline): Uncertain significance (0 of 4 stars; one submission).

Conditions:
CHEK2-related disorder.

Submission:

PreventionGenetics, part of Exact Sciences
Classification: Uncertain significance for CHEK2-related condition. Last evaluated: 2024-07-31. Review status: no assertion criteria provided. Collection method: clinical testing. Allele origin: germline.
Comment: The CHEK2 c.1028T>A variant is predicted to result in the amino acid substitution p.Ile343Asn. To our knowledge, this variant has not been reported in the literature or in a large population database, indicating this variant is rare. This variant is not listed in ClinVar. At this time, the clinical significance of this variant is uncertain due to the absence of conclusive functional and genetic evidence.